The following is an entry in ClinVar:

NM_005121.3(MED13):c.4377C>T (p.Asp1459=)

Gene: MED13 (mediator complex subunit 13; minus strand). Cytogenetic location: 17q23.2.
Variant type: single nucleotide variant.
Coding change: c.4377C>T on transcript NM_005121.3 (MANE Select); coding-DNA position 4377, C replaced by T.
Protein change: p.Asp1459=; no amino-acid change (aspartic acid 1459 retained).
Molecular consequence: synonymous variant.
Genome position (GRCh38, 1-based): chr17:61,966,466, G>A on the plus strand (C>T on the coding strand, the complement: MED13 is on the minus strand). VCF-style: chr17-61966466-G-A. GRCh37 (hg19) VCF-style: chr17-60043827-G-A.
Identifiers: ClinVar variation 2648008 (VCV002648008.24), dbSNP rs2509245924, ClinGen allele CA501154183.

ClinVar aggregate classification (germline): Likely benign (1 of 4 stars; one submission).

Allele frequency attached by ClinVar (database versions not stated): gnomAD exomes below 0.00001.
gnomAD v4.1: 1 of 1,609,720 alleles (0.000062%); highest among the groups gnomAD compares: African/African-American, 0.0013%; no homozygotes.

Submission:

CeGaT Center for Human Genetics Tuebingen
Classification: Likely benign. Last evaluated: 2023-04-01. Review status: criteria provided, single submitter. Criteria: CeGaT Center For Human Genetics Tuebingen Variant Classification Criteria Version 2. Collection method: clinical testing. Allele origin: germline. Affected: yes. Observed: 1 variant allele.
Comment: MED13: PM2:Supporting, BP4, BP7